The following is an entry in ClinVar:

NM_175875.5(SIX5):c.22C>T (p.Pro8Ser)

Genes: SIX5 (SIX homeobox 5; minus strand), DM1-AS (DM1 locus antisense RNA; plus strand), LOC107075317 (origin of replication in DMPK trinucleotide repeat region; plus strand). Cytogenetic location: 19q13.32.
Variant type: single nucleotide variant.
Coding change: c.22C>T on transcript NM_175875.5 (MANE Select); coding-DNA position 22, C replaced by T.
Protein change: p.Pro8Ser; replaces proline 8 with serine.
Molecular consequence: missense variant.
Genome position (GRCh38, 1-based): chr19:45,768,823, G>A on the plus strand (C>T on the coding strand, the complement: SIX5 is on the minus strand). VCF-style: chr19-45768823-G-A. GRCh37 (hg19) VCF-style: chr19-46272081-G-A.
Other names: short protein forms P8S.
Identifiers: ClinVar variation 2283790 (VCV002283790.3), dbSNP rs1969154045, ClinGen allele CA406424907.

ClinVar aggregate classification (germline): Uncertain significance. Review status: criteria provided, multiple submitters, no conflicts (2 of 4 stars). 2 submissions from 2 submitters: Uncertain significance (2). Last evaluated 2025-03-11.

Conditions:
SIX5-related disorder. Also called: SIX5-related condition.

Allele frequency attached by ClinVar (database versions not stated): gnomAD 0.00001; TOPMed 0.00001.
gnomAD v4.1: 5 of 1,531,062 alleles (0.00033%); highest among the groups gnomAD compares: African/African-American, 0.0055%; no homozygotes.

Submissions (2):

PreventionGenetics, part of Exact Sciences
Classification: Uncertain significance for SIX5-related condition. Last evaluated: 2025-03-11. Review status: criteria provided, single submitter. Criteria: ACMG Guidelines, 2015. Collection method: clinical testing. Allele origin: germline.
Comment: The SIX5 c.22C>T variant is predicted to result in the amino acid substitution p.Pro8Ser. To our knowledge, this variant has not been reported in the literature or in a large population database (gnomAD), indicating this variant is rare. At this time, the clinical significance of this variant is uncertain due to the absence of conclusive functional and genetic evidence.

Ambry Genetics
Classification: Uncertain significance. Last evaluated: 2022-04-13. Review status: criteria provided, single submitter. Criteria: Ambry Variant Classification Scheme 2023. Collection method: clinical testing. Allele origin: germline.